The following is an entry in ClinVar:

ClinVar aggregate classification (germline): Uncertain significance. Review status: criteria provided, multiple submitters, no conflicts (2 of 4 stars). 3 submissions from 3 submitters: Uncertain significance (3). Last evaluated 2026-04-24.

Conditions:
Inborn genetic diseases. Identifiers: MedGen C0950123, MeSH D030342.
Atrial standstill 1 (ATRST1). Also called: CARDIOMYOPATHY, FAMILIAL, WITH CONDUCTION DISTURBANCE; ATRIAL CARDIOMYOPATHY WITH HEART BLOCK; Atrial standstill, digenic (GJA5/SCN5A). Identifiers: Orphanet 1344, MedGen C4551959, MONDO:0007171, OMIM 108770.
Atrial fibrillation, familial, 11 (ATFB11). Identifiers: MedGen C3279693, MONDO:0013544, OMIM 614049.

Allele frequency attached by ClinVar (database versions not stated): gnomAD exomes below 0.00001; ExAC 0.00002; gnomAD 0.00003 and 0.00004; TOPMed 0.00004; ESP Exome Variant Server 0.00008.
gnomAD v4.1: 12 of 1,614,110 alleles (0.00074%); highest among the groups gnomAD compares: African/African-American, 0.015%; no homozygotes.

Submissions (3):

Women's Health and Genetics/Laboratory Corporation of America, LabCorp
Classification: Uncertain significance. Last evaluated: 2026-04-24. Review status: criteria provided, single submitter. Criteria: LabCorp Variant Classification Summary - May 2015. Collection method: clinical testing. Allele origin: germline.

Ambry Genetics
Classification: Uncertain significance for Inborn genetic diseases. Last evaluated: 2025-11-26. Review status: criteria provided, single submitter. Criteria: Ambry Variant Classification Scheme 2023. Collection method: clinical testing. Allele origin: germline.

Labcorp Genetics (formerly Invitae), Labcorp
Classification: Uncertain significance for Atrial fibrillation, familial, 11; Atrial standstill 1. Last evaluated: 2025-03-27. Review status: criteria provided, single submitter. Criteria: Invitae Variant Classification Sherloc (09022015). Collection method: clinical testing. Allele origin: germline.
Comment: This sequence change replaces arginine, which is basic and polar, with leucine, which is neutral and non-polar, at codon 106 of the GJA5 protein (p.Arg106Leu). This variant is present in population databases (rs367924086, gnomAD 0.007%). This variant has not been reported in the literature in individuals affected with GJA5-related conditions. ClinVar contains an entry for this variant (Variation ID: 1448211). Invitae Evidence Modeling of protein sequence and biophysical properties (such as structural, functional, and spatial information, amino acid conservation, physicochemical variation, residue mobility, and thermodynamic stability) indicates that this missense variant is not expected to disrupt GJA5 protein function with a negative predictive value of 80%. In summary, the available evidence is currently insufficient to determine the role of this variant in disease. Therefore, it has been classified as a Variant of Uncertain Significance.

NM_181703.4(GJA5):c.317G>T (p.Arg106Leu)

Gene: GJA5 (gap junction protein alpha 5; minus strand). Cytogenetic location: 1q21.2.
Variant type: single nucleotide variant.
Coding change: c.317G>T on transcript NM_181703.4 (MANE Select); coding-DNA position 317, G replaced by T.
Protein change: p.Arg106Leu; replaces arginine 106 with leucine.
Molecular consequence: missense variant.
Genome position (GRCh38, 1-based): chr1:147,758,922, C>A on the plus strand (G>T on the coding strand, the complement: GJA5 is on the minus strand). VCF-style: chr1-147758922-C-A. GRCh37 (hg19) VCF-style: chr1-147231030-C-A.
Other names: c.317G>T, p.Arg106Leu (NM_005266.7); c.317G>T (NM_005266.5); short protein forms R106L.
Identifiers: ClinVar variation 1448211 (VCV001448211.8), dbSNP rs367924086, ClinGen allele CA1065790.